The following is an entry in ClinVar:

NC_000006.11:g.(?_66005746)_(66417039_?)del

Gene: EYS (eyes shut homolog; minus strand). Cytogenetic location: 6q12.
Variant type: Deletion.
Identifiers: ClinVar variation 2423834 (VCV002423834.3).

ClinVar aggregate classification (germline): Pathogenic (1 of 4 stars; one submission).

Submission:

Labcorp Genetics (formerly Invitae), Labcorp
Classification: Pathogenic. Last evaluated: 2022-05-08. Review status: criteria provided, single submitter. Criteria: Invitae Variant Classification Sherloc (09022015). Collection method: clinical testing. Allele origin: germline.
Comment: This variant is a gross deletion of the genomic region encompassing exon(s) 1-12 of the EYS gene, which includes the initiator codon. This deletion extends beyond the assayed region for this gene and therefore may encompass additional genes. It is expected to result in an absent or disrupted protein product. Loss-of-function variants in EYS are known to be pathogenic (PMID: 18836446, 20333770). This variant has not been reported in the literature in individuals affected with EYS-related conditions. For these reasons, this variant has been classified as Pathogenic.

Literature cited by the submitters: PubMed 18836446; PubMed 20333770.